The following is an entry in ClinVar:

NM_005918.4(MDH2):c.40C>T (p.Arg14Cys)

Gene: MDH2 (malate dehydrogenase 2; plus strand). Cytogenetic location: 7q11.23.
Variant type: single nucleotide variant.
Coding change: c.40C>T on transcript NM_005918.4 (MANE Select); coding-DNA position 40, C replaced by T.
Protein change: p.Arg14Cys; replaces arginine 14 with cysteine.
Molecular consequence: missense variant. On other transcripts: 5 prime UTR variant (1), non-coding transcript variant (1).
Genome position (GRCh38, 1-based): chr7:76,048,200, C>T. VCF-style: chr7-76048200-C-T. GRCh37 (hg19) VCF-style: chr7-75677518-C-T.
Other names: c.40C>T, p.Arg14Cys (NM_001282403.2); c.-113C>T (NM_001282404.2); short protein forms R14C.
Identifiers: ClinVar variation 3394086 (VCV003394086.1).

ClinVar aggregate classification (germline): Uncertain significance (1 of 4 stars; one submission).

Conditions:
Inborn genetic diseases. Identifiers: MedGen C0950123, MeSH D030342.

gnomAD v4.1: 1 of 1,536,426 alleles (0.000065%); highest among the groups gnomAD compares: Non-Finnish European, 0.000087%; no homozygotes.

Submission:

Ambry Genetics
Classification: Uncertain significance for Inborn genetic diseases. Last evaluated: 2024-11-15. Review status: criteria provided, single submitter. Criteria: Ambry Variant Classification Scheme 2023. Collection method: clinical testing. Allele origin: germline.
Comment: The p.R14C variant (also known as c.40C>T), located in coding exon 1 of the MDH2 gene, results from a C to T substitution at nucleotide position 40. The arginine at codon 14 is replaced by cysteine, an amino acid with highly dissimilar properties. This amino acid position is conserved. In addition, this alteration is predicted to be tolerated by in silico analysis. Based on the available evidence, the clinical significance of this variant remains unclear.